The following is an entry in ClinVar:

NM_000238.4(KCNH2):c.326T>A (p.Leu109Gln)

Gene: KCNH2 (potassium voltage-gated channel subfamily H member 2; minus strand). Cytogenetic location: 7q36.1.
Variant type: single nucleotide variant.
Coding change: c.326T>A on transcript NM_000238.4 (MANE Select); coding-DNA position 326, T replaced by A.
Protein change: p.Leu109Gln; replaces leucine 109 with glutamine.
Molecular consequence: missense variant.
Genome position (GRCh38, 1-based): chr7:150,959,718, A>T on the plus strand (T>A on the coding strand, the complement: KCNH2 is on the minus strand). VCF-style: chr7-150959718-A-T. GRCh37 (hg19) VCF-style: chr7-150656806-A-T.
Other names: c.38T>A, p.Leu13Gln (NM_001406753.1, NM_001406756.1); c.149T>A, p.Leu50Gln (NM_001406755.1); c.26T>A, p.Leu9Gln (NM_001406757.1); c.326T>A, p.Leu109Gln (NM_172056.3); short protein forms L109Q, L13Q, L9Q, L50Q.
Identifiers: ClinVar variation 1729611 (VCV001729611.2), dbSNP rs199473498, ClinGen allele CA369863890.

ClinVar aggregate classification (germline): Uncertain significance (1 of 4 stars; one submission).

Conditions:
Cardiovascular phenotype. Identifiers: MedGen CN230736.

Allele frequency attached by ClinVar (database versions not stated): gnomAD 0.00001.
gnomAD v4.1: 1 of 1,614,062 alleles (0.000062%); highest among the groups gnomAD compares: African/African-American, 0.0013%; no homozygotes.

Submission:

Ambry Genetics
Classification: Uncertain significance for Cardiovascular phenotype. Last evaluated: 2021-12-17. Review status: criteria provided, single submitter. Criteria: Ambry Variant Classification Scheme 2023. Collection method: clinical testing. Allele origin: germline.
Comment: The p.L109Q variant (also known as c.326T>A), located in coding exon 3 of the KCNH2 gene, results from a T to A substitution at nucleotide position 326. The leucine at codon 109 is replaced by glutamine, an amino acid with dissimilar properties. This amino acid position is well conserved in available vertebrate species. In addition, this alteration is predicted to be deleterious by in silico analysis. Since supporting evidence is limited at this time, the clinical significance of this alteration remains unclear.